The following is an entry in ClinVar:

ClinVar aggregate classification (germline): Pathogenic (1 of 4 stars; one submission).

Conditions:
Stromme syndrome (STROMS). Also called: APPLE PEEL SYNDROME WITH MICROCEPHALY AND OCULAR ANOMALIES; Ciliary dyskinesia, primary, 31; Strømme Syndrome. Identifiers: Orphanet 444069, Orphanet 506307, MedGen C1855705, MONDO:0009477, OMIM 243605.

Submission:

Institute for Clinical Genetics, University Hospital TU Dresden, University Hospital TU Dresden
Classification: Pathogenic for Stromme syndrome. Last evaluated: 2025-01-09. Review status: criteria provided, single submitter. Criteria: ACMG Guidelines, 2015. Collection method: clinical testing. Allele origin: paternal. Affected: yes.
Comment: PVS1, PM2_SUP, PM3

NM_016343.4(CENPF):c.8990_8992delinsTATATATATCCTGCGAAGAACATATATCCTGC (p.Thr2997fs)

Gene: CENPF (centromere protein F; plus strand). Cytogenetic location: 1q41.
Variant type: Indel.
Coding change: c.8990_8992delinsTATATATATCCTGCGAAGAACATATATCCTGC on transcript NM_016343.4 (MANE Select); coding-DNA positions 8990 to 8992, the reference bases replaced by an inserted sequence.
Protein change: p.Thr2997fs; shifts the reading frame from threonine 2997.
Molecular consequence: frameshift variant.
Genome position (GRCh38, 1-based): chr1:214,658,877-214,658,879, 3 bases replaced. GRCh37 (hg19): chr1:214,832,220-214,832,222.
Other names: short protein forms T2997fs.
Identifiers: ClinVar variation 4850097 (VCV004850097.1).
Genomic context (GRCh38, chr1:214,658,877, plus strand): 5'-AGCAGTGCTGACAGTTATTTTTTTTGCCCTTAGGGTTTGCTGACATCCCGACAGGAAAGA[CTA>TATATATATCCTGCGAAGAACATATATCCTGC]GCCCATATATCCTGCGAAGAACAACCATGGCAACTCGGACCAGCCCCCGCCTGGCTGCAC-3'